The following is an entry in ClinVar:

NM_002691.4(POLD1):c.1710G>T (p.Met570Ile)

Gene: POLD1 (DNA polymerase delta 1, catalytic subunit; plus strand). Cytogenetic location: 19q13.33.
Variant type: single nucleotide variant.
Coding change: c.1710G>T on transcript NM_002691.4 (MANE Select); coding-DNA position 1710, G replaced by T.
Protein change: p.Met570Ile; replaces methionine 570 with isoleucine.
Molecular consequence: missense variant. On other transcripts: non-coding transcript variant (1).
Genome position (GRCh38, 1-based): chr19:50,407,350, G>T. VCF-style: chr19-50407350-G-T. GRCh37 (hg19) VCF-style: chr19-50910607-G-T.
Other names: c.1710G>T, p.Met570Ile (NM_001256849.1, NM_001308632.1); short protein forms M570I.
Identifiers: ClinVar variation 3222701 (VCV003222701.1), dbSNP rs759861508, ClinGen allele CA9596239.

ClinVar aggregate classification (germline): Uncertain significance (1 of 4 stars; one submission).

Conditions:
Hereditary cancer-predisposing syndrome. Also called: Tumor predisposition; Hereditary neoplastic syndrome; Hereditary Cancer Syndrome; Neoplastic Syndromes, Hereditary. Identifiers: Orphanet 140162, MedGen C0027672, MeSH D009386, MONDO:0015356.

Allele frequency attached by ClinVar (database versions not stated): gnomAD exomes below 0.00001; ExAC 0.00001.
gnomAD v4.1: 1 of 1,613,018 alleles (0.000062%); highest among the groups gnomAD compares: South Asian, 0.0011%; no homozygotes.

Submission:

Ambry Genetics
Classification: Uncertain significance for Hereditary cancer-predisposing syndrome. Last evaluated: 2023-09-23. Review status: criteria provided, single submitter. Criteria: Ambry Variant Classification Scheme 2023. Collection method: clinical testing. Allele origin: germline.
Comment: The p.M570I variant (also known as c.1710G>T), located in coding exon 13 of the POLD1 gene, results from a G to T substitution at nucleotide position 1710. The methionine at codon 570 is replaced by isoleucine, an amino acid with highly similar properties. This amino acid position is conserved. In addition, this alteration is predicted to be tolerated by in silico analysis. Since supporting evidence is limited at this time, the clinical significance of this alteration remains unclear.